The following is an entry in ClinVar:

ClinVar aggregate classification (germline): Conflicting classifications of pathogenicity. Review status: criteria provided, conflicting classifications (1 of 4 stars). 4 submissions from 4 submitters: Likely pathogenic (2); Uncertain significance (2). Last evaluated 2025-07-02.

Conditions:
Severe combined immunodeficiency disease. Also called: Severe Combined Immune Deficiency; Severe combined immunodeficiency. Identifiers: Orphanet 183660, MedGen C0085110, MeSH D016511, MONDO:0015974, HP:0004430. Inheritance: X-Linked or Autosomal recessive.
PGM3-related disorder. Also called: PGM3-related condition.
Immunodeficiency 23 (IMD23). Also called: IMMUNODEFICIENCY WITH HYPER IgE AND COGNITIVE IMPAIRMENT; IMMUNODEFICIENCY-VASCULITIS-MYOCLONUS SYNDROME. Identifiers: Orphanet 443811, MedGen C4014371, MONDO:0014353, OMIM 615816.

Allele frequency attached by ClinVar (database versions not stated): gnomAD 0.00001; gnomAD exomes 0.00001 and 0.00002; ExAC 0.00002.
gnomAD v4.1: 19 of 1,538,406 alleles (0.0012%); highest among the groups gnomAD compares: Non-Finnish European, 0.0016%; no homozygotes.

Submissions (4):

Women's Health and Genetics/Laboratory Corporation of America, LabCorp
Classification: Likely pathogenic for Severe combined immunodeficiency disease. Last evaluated: 2025-07-02. Review status: criteria provided, single submitter. Criteria: LabCorp Variant Classification Summary - May 2015. Collection method: clinical testing. Allele origin: germline.
Comment: Variant summary: PGM3 c.1219T>C (p.Phe407Leu) results in a non-conservative amino acid change in the encoded protein sequence. Algorithms developed to predict the effect of missense changes on protein structure and function are either unavailable or do not agree on the potential impact of this missense change. The variant allele was found at a frequency of 1.7e-05 in 231106 control chromosomes (gnomAD). c.1219T>C has been observed in individuals affected with Severe combined immunodeficiency with bone marrow failure, skeletal dysplasia and congenital malformations (Pacheco-Cuellar_2017). These data indicate that the variant is likely to be associated with disease. To our knowledge, no experimental evidence demonstrating an impact on protein function has been reported. The following publications have been ascertained in the context of this evaluation (PMID: 28543917, 34627339). ClinVar contains an entry for this variant (Variation ID: 655964). Based on the evidence outlined above, the variant was classified as likely pathogenic.

Blueprint Genetics
Classification: Likely pathogenic for PGM3-related disorders. Last evaluated: 2024-02-22. Review status: criteria provided, single submitter. Criteria: ACMG Guidelines, 2015. Collection method: clinical testing. Allele origin: germline. Affected: yes. Observed: 5 variant alleles.

Labcorp Genetics (formerly Invitae), Labcorp
Classification: Uncertain significance for Immunodeficiency 23. Last evaluated: 2021-08-31. Review status: criteria provided, single submitter. Criteria: Invitae Variant Classification Sherloc (09022015). Collection method: clinical testing. Allele origin: germline.
Comment: This sequence change replaces phenylalanine with leucine at codon 407 of the PGM3 protein (p.Phe407Leu). The phenylalanine residue is highly conserved and there is a small physicochemical difference between phenylalanine and leucine. This variant is present in population databases (rs774568856, ExAC 0.003%). This missense change has been observed in individual(s) with congenital disorders of glycosylation (CDGs) (PMID: 28543917). It has also been observed to segregate with disease in related individuals. This variant is also known as p.Phe379Leu. Algorithms developed to predict the effect of missense changes on protein structure and function are either unavailable or do not agree on the potential impact of this missense change (SIFT: "Deleterious"; PolyPhen-2: "Benign"; Align-GVGD: "Class C15"). In summary, the available evidence is currently insufficient to determine the role of this variant in disease. Therefore, it has been classified as a Variant of Uncertain Significance.

Revvity Omics, Revvity
Classification: Uncertain significance for Immunodeficiency 23. Last evaluated: 2021-08-26. Review status: criteria provided, single submitter. Criteria: ACMG Guidelines, 2015. Collection method: clinical testing. Allele origin: germline.

Literature cited by the submitters: PubMed 34627339 (cited by Women's Health and Genetics/Laboratory Corporation of America, LabCorp); PubMed 28543917 (cited by Women's Health and Genetics/Laboratory Corporation of America, LabCorp and Labcorp Genetics (formerly Invitae), Labcorp).

NM_015599.3(PGM3):c.1135T>C (p.Phe379Leu)

Gene: PGM3 (phosphoglucomutase 3; minus strand). Cytogenetic location: 6q14.1.
Variant type: single nucleotide variant.
Coding change: c.1135T>C on transcript NM_015599.3 (MANE Select); coding-DNA position 1135, T replaced by C.
Protein change: p.Phe379Leu; replaces phenylalanine 379 with leucine.
Molecular consequence: missense variant. On other transcripts: non-coding transcript variant (1).
Genome position (GRCh38, 1-based): chr6:83,174,481, A>G on the plus strand (T>C on the coding strand, the complement: PGM3 is on the minus strand). VCF-style: chr6-83174481-A-G. GRCh37 (hg19) VCF-style: chr6-83884200-A-G.
Other names: c.1219T>C, p.Phe407Leu (NM_001199917.2, NM_001367287.1); c.892T>C, p.Phe298Leu (NM_001199918.2); c.1135T>C, p.Phe379Leu (NM_001199919.2, NM_001367286.1); short protein forms F379L, F407L, F298L.
Identifiers: ClinVar variation 655964 (VCV000655964.12), dbSNP rs774568856, ClinGen allele CA3906601.
Genomic context (GRCh38, chr6:83,174,481, plus strand): 5'-TTTTCTTATCTTCCAGTTGTTCTGCTGATTGTTTTATCTTCATTTCAACAGCTGTACTAA[A>G]CAGTGCCTGCAGCAAAAGAATATAAAATCAGTCTCAAAACACTATCCAAAACCTAGTCAT-3'
Protein context (NP_056414.1, residues 369-389): FEANGHGTAL[Phe379Leu]STAVEMKIKQ